The following is an entry in ClinVar:

NM_018136.5(ASPM):c.7543C>T (p.Arg2515Ter)

Gene: ASPM (assembly factor for spindle microtubules; minus strand). Cytogenetic location: 1q31.3.
Variant type: single nucleotide variant.
Coding change: c.7543C>T on transcript NM_018136.5 (MANE Select); coding-DNA position 7543, C replaced by T.
Protein change: p.Arg2515Ter; replaces arginine 2515 with a stop codon.
Molecular consequence: nonsense. On other transcripts: intron variant (1).
Genome position (GRCh38, 1-based): chr1:197,101,708, G>A on the plus strand (C>T on the coding strand, the complement: ASPM is on the minus strand). VCF-style: chr1-197101708-G-A. GRCh37 (hg19) VCF-style: chr1-197070838-G-A.
Other names: c.4066-5544C>T (NM_001206846.2); short protein forms R2515*.
Identifiers: ClinVar variation 3382981 (VCV003382981.3).

ClinVar aggregate classification (germline): Pathogenic. Review status: criteria provided, multiple submitters, no conflicts (2 of 4 stars). 2 submissions from 2 submitters: Pathogenic (2). Last evaluated 2022-09-15.

Conditions:
Microcephaly 5, primary, autosomal recessive (MCPH5). Also called: ASPM Primary Microcephaly. Identifiers: Orphanet 2512, MedGen C1837501, MONDO:0012106, OMIM 608716.
ASPM-related disorder. Also called: ASPM-related condition.

gnomAD v4.1: 3 of 1,611,860 alleles (0.00019%); highest among the groups gnomAD compares: Non-Finnish European, 0.00025%; no homozygotes.

Submissions (2):

Blueprint Genetics
Classification: Pathogenic for ASPM-related disorders. Last evaluated: 2022-09-15. Review status: criteria provided, single submitter. Criteria: ACMG Guidelines, 2015. Collection method: clinical testing. Allele origin: germline. Affected: yes. Observed: 1 variant allele.

Juno Genomics, Hangzhou Juno Genomics, Inc
Classification: Pathogenic for Microcephaly 5, primary, autosomal recessive. Review status: criteria provided, single submitter. Criteria: ACMG Guidelines, 2015. Collection method: clinical testing. Allele origin: germline. Affected: yes.
Comment: Null variant in a gene where loss of function (LOF) is a known mechanism of disease.;Absent from controls (or at extremely low frequency if recessive) in Genome Aggregation Database, Exome Sequencing Project, 1000 Genomes Project, or Exome Aggregation Consortium.;For recessive disorders, detected in trans with a pathogenic variant.;Co-segregation with disease in multiple affected family members in a gene definitively known to cause the disease.;Patient's phenotype or family history is highly specific for a disease with a single genetic etiology.